The following is an entry in ClinVar:

ClinVar aggregate classification (germline): Uncertain significance (1 of 4 stars; one submission).

Submission:

GeneDx
Classification: Uncertain significance. Last evaluated: 2024-12-16. Review status: criteria provided, single submitter. Criteria: GeneDx Variant Classification Process June 2021. Collection method: clinical testing. Allele origin: germline. Affected: yes.
Comment: Not observed at significant frequency in large population cohorts (gnomAD); In silico analysis supports that this missense variant has a deleterious effect on protein structure/function; Has not been previously published as pathogenic or benign to our knowledge

NM_001830.4(CLCN4):c.1598T>G (p.Val533Gly)

Gene: CLCN4 (chloride voltage-gated channel 4; plus strand). Cytogenetic location: Xp22.2.
Variant type: single nucleotide variant.
Coding change: c.1598T>G on transcript NM_001830.4 (MANE Select); coding-DNA position 1598, T replaced by G.
Protein change: p.Val533Gly; replaces valine 533 with glycine.
Molecular consequence: missense variant.
Genome position (GRCh38, 1-based): chrX:10,213,702, T>G. VCF-style: chrX-10213702-T-G. GRCh37 (hg19) VCF-style: chrX-10181742-T-G.
Other names: c.1316T>G, p.Val439Gly (NM_001256944.2); short protein forms V439G, V533G.
Identifiers: ClinVar variation 3906672 (VCV003906672.1).